The following is an entry in ClinVar:

ClinVar aggregate classification (germline): Conflicting classifications of pathogenicity. Review status: criteria provided, conflicting classifications (1 of 4 stars). 7 submissions from 7 submitters: Uncertain significance (2); Likely benign (4). 1 of the submissions does not count toward it. Last evaluated 2026-01-25.

Conditions:
GAA-related disorder. Also called: GAA-related condition.
Cardiovascular phenotype. Identifiers: MedGen CN230736.
Glycogen storage disease, type II (IOPD). Also called: Acid maltase deficiency disease; Aglucosidase alfa; Deficiency of alpha-glucosidase; Deficiency of lysosomal alpha-glucosidase; POMPE DISEASE, INFANTILE-ONSET; GLYCOGEN STORAGE DISEASE II, INFANTILE-ONSET. Identifiers: Orphanet 365, MedGen C0017921, MONDO:0009290, OMIM 232300.

Allele frequency attached by ClinVar (database versions not stated): gnomAD 0.00001; TOPMed 0.00001; gnomAD exomes 0.00002 and 0.00003; ExAC 0.00004.
gnomAD v4.1: 25 of 1,613,142 alleles (0.0015%); highest among the groups gnomAD compares: South Asian, 0.0033%; no homozygotes.

Submissions (7):

Labcorp Genetics (formerly Invitae), Labcorp
Classification: Likely benign for Glycogen storage disease, type II. Last evaluated: 2026-01-25. Review status: criteria provided, single submitter. Criteria: Invitae Variant Classification Sherloc (09022015). Collection method: clinical testing. Allele origin: germline.

Mayo Clinic Laboratories, Mayo Clinic
Classification: Likely benign. Last evaluated: 2025-02-10. Review status: criteria provided, single submitter. Criteria: ACMG Guidelines, 2015. Collection method: clinical testing. Allele origin: germline. Observed: 1 variant allele.
Comment: BP4, BP7

Ambry Genetics
Classification: Likely benign for Cardiovascular phenotype. Last evaluated: 2025-01-25. Review status: criteria provided, single submitter. Criteria: Ambry Variant Classification Scheme 2023. Collection method: clinical testing. Allele origin: germline.

CeGaT Center for Human Genetics Tuebingen
Classification: Likely benign. Last evaluated: 2023-12-01. Review status: criteria provided, single submitter. Criteria: CeGaT Center For Human Genetics Tuebingen Variant Classification Criteria Version 2. Collection method: clinical testing. Allele origin: germline. Affected: yes. Observed: 1 variant allele.
Comment: GAA: BP4, BP7

Genome-Nilou Lab
Classification: Uncertain significance for Glycogen storage disease, type II. Last evaluated: 2021-07-14. Review status: criteria provided, single submitter. Criteria: ACMG Guidelines, 2015. Collection method: clinical testing. Allele origin: germline. Affected: no.

Eurofins Ntd Llc (ga)
Classification: Uncertain significance. Last evaluated: 2016-06-14. Review status: criteria provided, single submitter. Criteria: EGL Classification Definitions 2015. Collection method: clinical testing. Allele origin: germline. Observed: 1 variant allele, 1 heterozygote.

PreventionGenetics, part of Exact Sciences
Classification: Likely benign for GAA-related condition. Last evaluated: 2020-10-23. Review status: no assertion criteria provided. Collection method: clinical testing. Allele origin: germline. Not counted in ClinVar's aggregate classification.
Comment: This variant is classified as likely benign based on ACMG/AMP sequence variant interpretation guidelines (Richards et al. 2015 PMID: 25741868, with internal and published modifications).

Literature cited by the submitters: PubMed 33057194 (cited by Mayo Clinic Laboratories, Mayo Clinic); PubMed 35982159 (cited by Mayo Clinic Laboratories, Mayo Clinic).

NM_000152.5(GAA):c.1347G>A (p.Ser449=)

Gene: GAA (alpha glucosidase; plus strand). Cytogenetic location: 17q25.3.
Variant type: single nucleotide variant.
Coding change: c.1347G>A on transcript NM_000152.5 (MANE Select); coding-DNA position 1347, G replaced by A.
Protein change: p.Ser449=; no amino-acid change (serine 449 retained).
Molecular consequence: synonymous variant.
Genome position (GRCh38, 1-based): chr17:80,109,965, G>A. VCF-style: chr17-80109965-G-A. GRCh37 (hg19) VCF-style: chr17-78083764-G-A.
Other names: p.Ser449=; c.1347G>A, p.Ser449= (NM_001079803.3, NM_001079804.3); c.1347G>A (NM_000152.3, NM_000152.4).
Identifiers: ClinVar variation 288681 (VCV000288681.44), dbSNP rs756938942, ClinGen allele CA8815293.